The following is an entry in ClinVar:

ClinVar aggregate classification (germline): Uncertain significance (1 of 4 stars; one submission).

Conditions:
Neonatal-onset encephalopathy with rigidity and seizures. Also called: Lethal neonatal spasticity-epileptic encephalopathy syndrome. Identifiers: Orphanet 435845, MedGen C3281029, MONDO:0013784, OMIM 614498.

Allele frequency attached by ClinVar (database versions not stated): gnomAD exomes below 0.00001; ExAC 0.00001; TOPMed 0.00001.

Submission:

Labcorp Genetics (formerly Invitae), Labcorp
Classification: Uncertain significance for Neonatal-onset encephalopathy with rigidity and seizures. Last evaluated: 2020-03-10. Review status: criteria provided, single submitter. Criteria: Invitae Variant Classification Sherloc (09022015). Collection method: clinical testing. Allele origin: germline.
Comment: This sequence change replaces valine with methionine at codon 351 of the BRAT1 protein (p.Val351Met). The valine residue is highly conserved and there is a small physicochemical difference between valine and methionine. This variant is present in population databases (rs780302219, ExAC 0.01%). This variant has not been reported in the literature in individuals with BRAT1-related conditions. Algorithms developed to predict the effect of missense changes on protein structure and function are either unavailable or do not agree on the potential impact of this missense change (SIFT: "Deleterious"; PolyPhen-2: "Benign"; Align-GVGD: "Class C15"). In summary, the available evidence is currently insufficient to determine the role of this variant in disease. Therefore, it has been classified as a Variant of Uncertain Significance.

NM_152743.4(BRAT1):c.1051G>A (p.Val351Met)

Gene: BRAT1 (BRCA1 associated ATM activator 1; minus strand). Cytogenetic location: 7p22.3.
Variant type: single nucleotide variant.
Coding change: c.1051G>A on transcript NM_152743.4 (MANE Select); coding-DNA position 1051, G replaced by A.
Protein change: p.Val351Met; replaces valine 351 with methionine.
Molecular consequence: missense variant. On other transcripts: non-coding transcript variant (1).
Genome position (GRCh38, 1-based): chr7:2,541,801, C>T on the plus strand (G>A on the coding strand, the complement: BRAT1 is on the minus strand). VCF-style: chr7-2541801-C-T. GRCh37 (hg19) VCF-style: chr7-2581435-C-T.
Other names: c.1051G>A, p.Val351Met (NM_001350626.2); c.526G>A, p.Val176Met (NM_001350627.2); short protein forms V176M, V351M.
Identifiers: ClinVar variation 998568 (VCV000998568.8), dbSNP rs780302219, ClinGen allele CA4127948.